The following is an entry in ClinVar:

ClinVar aggregate classification (germline): Pathogenic (1 of 4 stars; one submission).

Conditions:
LAMA2-related muscular dystrophy (LAMA2-RD). Also called: Laminin alpha 2-related dystrophy. Identifiers: MedGen C5679788, MONDO:0100228.

Submission:

Labcorp Genetics (formerly Invitae), Labcorp
Classification: Pathogenic for LAMA2-related muscular dystrophy. Last evaluated: 2023-02-18. Review status: criteria provided, single submitter. Criteria: Invitae Variant Classification Sherloc (09022015). Collection method: clinical testing. Allele origin: germline.
Comment: For these reasons, this variant has been classified as Pathogenic. This variant has not been reported in the literature in individuals affected with LAMA2-related conditions. This variant is not present in population databases (gnomAD no frequency). This sequence change creates a premature translational stop signal (p.Val278Serfs*59) in the LAMA2 gene. It is expected to result in an absent or disrupted protein product. Loss-of-function variants in LAMA2 are known to be pathogenic (PMID: 18700894, 32904964).

Literature cited by the submitters: PubMed 18700894; PubMed 32904964.

NM_000426.4(LAMA2):c.832del (p.Val278fs)

Gene: LAMA2 (laminin subunit alpha 2; plus strand). Cytogenetic location: 6q22.33.
Variant type: Deletion.
Coding change: c.832del on transcript NM_000426.4 (MANE Select); coding-DNA position 832, one base deleted (G; older notation c.832delG).
Protein change: p.Val278fs; shifts the reading frame from valine 278.
Molecular consequence: frameshift variant.
Genome position (GRCh38, 1-based): chr6:129,146,971, G deleted; the last of 2 consecutive G bases (chr6:129,146,970-129,146,971); deleting either gives the same sequence. VCF-style (leftmost placement, unchanged base first): chr6-129146969-CG-C. GRCh37 (hg19) VCF-style: chr6-129468114-CG-C.
Other names: c.832del, p.Val278fs (NM_001079823.2); short protein forms V278fs.
Identifiers: ClinVar variation 2838913 (VCV002838913.3), dbSNP rs2482596061, ClinGen allele CA2739266076.
Genomic context (GRCh38, chr6:129,146,969, plus strand): 5'-TGACCTTGCAGTCATCTTAACAGGATTTCTCTCTGGATTGCTTTTTGCAGTATTACTACT[CG>C]GTCAAGGATATTTCAGTTGGAGGGATGTGCATCTGCTATGGTCATGCCAGGGCTTGTCCA-3'